The following is an entry in ClinVar:

ClinVar aggregate classification (germline): Conflicting classifications of pathogenicity. Review status: criteria provided, conflicting classifications (1 of 4 stars). 7 submissions from 7 submitters: Uncertain significance (2); Likely benign (4). 1 of the submissions does not count toward it. Last evaluated 2025-08-20.

Conditions:
Inborn genetic diseases. Identifiers: MedGen C0950123, MeSH D030342.
Retinal dystrophy. Also called: Inherited retinal dystrophy. Identifiers: Orphanet 71862, MedGen C0854723, MeSH D058499, MONDO:0019118, HP:0000556.

Allele frequency attached by ClinVar (database versions not stated): 1000 Genomes Project 30x 0.00047; TOPMed 0.00055; gnomAD 0.00064 and 0.00068; ESP Exome Variant Server 0.00077; 1000 Genomes Project 0.00040.
gnomAD v4.1: 1,200 of 1,614,224 alleles (0.074%); highest among the groups gnomAD compares: Non-Finnish European, 0.096%; 3 homozygotes.

Submissions (7):

Mayo Clinic Laboratories, Mayo Clinic
Classification: Likely benign. Last evaluated: 2025-08-20. Review status: criteria provided, single submitter. Criteria: ACMG Guidelines, 2015. Collection method: clinical testing. Allele origin: germline. Observed: 1 variant allele.
Comment: BS1, BP4_moderate

CeGaT Center for Human Genetics Tuebingen
Classification: Likely benign. Last evaluated: 2025-06-01. Review status: criteria provided, single submitter. Criteria: CeGaT Center For Human Genetics Tuebingen Variant Classification Criteria Version 2. Collection method: clinical testing. Allele origin: germline. Affected: yes. Observed: 4 variant alleles.
Comment: LAMA1: BP4

Blueprint Genetics
Classification: Likely benign. Last evaluated: 2024-11-27. Review status: criteria provided, single submitter. Criteria: ACMG Guidelines, 2015. Collection method: clinical testing. Allele origin: germline.

Labcorp Genetics (formerly Invitae), Labcorp
Classification: Uncertain significance. Last evaluated: 2022-10-05. Review status: criteria provided, single submitter. Criteria: Invitae Variant Classification Sherloc (09022015). Collection method: clinical testing. Allele origin: germline.
Comment: This sequence change replaces arginine, which is basic and polar, with glutamine, which is neutral and polar, at codon 2051 of the LAMA1 protein (p.Arg2051Gln). This variant is present in population databases (rs145781920, gnomAD 0.1%), and has an allele count higher than expected for a pathogenic variant. This variant has not been reported in the literature in individuals affected with LAMA1-related conditions. ClinVar contains an entry for this variant (Variation ID: 808347). Advanced modeling of protein sequence and biophysical properties (such as structural, functional, and spatial information, amino acid conservation, physicochemical variation, residue mobility, and thermodynamic stability) performed at Invitae indicates that this missense variant is not expected to disrupt LAMA1 protein function. In summary, the available evidence is currently insufficient to determine the role of this variant in disease. Therefore, it has been classified as a Variant of Uncertain Significance.

GeneDx
Classification: Uncertain significance. Last evaluated: 2022-02-10. Review status: criteria provided, single submitter. Criteria: GeneDx Variant Classification Process June 2021. Collection method: clinical testing. Allele origin: germline. Affected: yes.
Comment: In silico analysis, which includes protein predictors and evolutionary conservation, supports that this variant does not alter protein structure/function; Has not been previously published as pathogenic or benign to our knowledge

Ambry Genetics
Classification: Likely benign for Inborn genetic diseases. Last evaluated: 2021-11-29. Review status: criteria provided, single submitter. Criteria: Ambry Variant Classification Scheme 2023. Collection method: clinical testing. Allele origin: germline.

Institute of Human Genetics, Univ. Regensburg, Univ. Regensburg
Classification: Uncertain significance for Retinal dystrophy. Last evaluated: 2023-01-01. Review status: no assertion criteria provided. Criteria: ACMG Guidelines, 2015. Collection method: clinical testing. Allele origin: germline. Affected: yes. Not counted in ClinVar's aggregate classification.

NM_005559.4(LAMA1):c.6152G>A (p.Arg2051Gln)

Gene: LAMA1 (laminin subunit alpha 1; minus strand). Cytogenetic location: 18p11.31.
Variant type: single nucleotide variant.
Coding change: c.6152G>A on transcript NM_005559.4 (MANE Select); coding-DNA position 6152, G replaced by A.
Protein change: p.Arg2051Gln; replaces arginine 2051 with glutamine.
Molecular consequence: missense variant.
Genome position (GRCh38, 1-based): chr18:6,978,234, C>T on the plus strand (G>A on the coding strand, the complement: LAMA1 is on the minus strand). VCF-style: chr18-6978234-C-T. GRCh37 (hg19) VCF-style: chr18-6978233-C-T.
Other names: p.Arg2051Gln; short protein forms R2051Q.
Identifiers: ClinVar variation 808347 (VCV000808347.50), dbSNP rs145781920, ClinGen allele CA8881341.
Genomic context (GRCh38, chr18:6,978,234, plus strand): 5'-GGAAGGAAGGGCGCTGACATACTGGCCATGGTGGAGTCCTGCAGAAGCTGGTGTGTCTCT[C>T]GTAATGTGGTGTTGACCCTGGACAGGCTGGCAGATGTGTTCAGCAGCTCCTGGCTCAGCC-3'
Protein context (NP_005550.2, residues 2041-2061): ASLSRVNTTL[Arg2051Gln]ETHQLLQDST